The following is an entry in ClinVar:

ClinVar aggregate classification (germline): Uncertain significance. Review status: criteria provided, multiple submitters, no conflicts (2 of 4 stars). 2 submissions from 2 submitters: Uncertain significance (2). Last evaluated 2025-10-28.

Conditions:
Hereditary cancer-predisposing syndrome. Also called: Tumor predisposition; Hereditary Cancer Syndrome; Hereditary neoplastic syndrome; Neoplastic Syndromes, Hereditary. Identifiers: Orphanet 140162, MedGen C0027672, MeSH D009386, MONDO:0015356.
Familial adenomatous polyposis 1 (FAP1). Also called: POLYPOSIS, ADENOMATOUS INTESTINAL; FAMILIAL ADENOMATOUS POLYPOSIS 1, ATTENUATED. Identifiers: MedGen C2713442, MONDO:0021056, OMIM 175100. Disease mechanism: loss of function.

Submissions (2):

Color Diagnostics, LLC DBA Color Health
Classification: Uncertain significance for Hereditary cancer-predisposing syndrome. Last evaluated: 2025-10-28. Review status: criteria provided, single submitter. Criteria: ACMG Guidelines, 2015. Collection method: clinical testing. Allele origin: germline.
Comment: This missense variant replaces histidine with glutamine at codon 286 of the APC protein. Computational prediction suggests that this variant may not impact protein structure and function. APC is defined as a gene for which primarily truncating variants are known to cause disease (ClinGen HCCP VCEP). To our knowledge, functional studies have not been reported for this variant. This variant has not been reported in individuals affected with APC-related disorders in the literature. This variant has not been identified in the general population by the Genome Aggregation Database (gnomAD). The available evidence is insufficient to determine the role of this variant in disease conclusively. Therefore, this variant is classified as a Variant of Uncertain Significance.

Labcorp Genetics (formerly Invitae), Labcorp
Classification: Uncertain significance for Familial adenomatous polyposis 1. Last evaluated: 2022-01-11. Review status: criteria provided, single submitter. Criteria: Invitae Variant Classification Sherloc (09022015). Collection method: clinical testing. Allele origin: germline.
Comment: This variant is not present in population databases (gnomAD no frequency). This sequence change replaces histidine, which is basic and polar, with glutamine, which is neutral and polar, at codon 286 of the APC protein (p.His286Gln). In summary, the available evidence is currently insufficient to determine the role of this variant in disease. Therefore, it has been classified as a Variant of Uncertain Significance. Algorithms developed to predict the effect of missense changes on protein structure and function (SIFT, PolyPhen-2, Align-GVGD) all suggest that this variant is likely to be tolerated. This variant has not been reported in the literature in individuals affected with APC-related conditions.

NM_000038.6(APC):c.858T>G (p.His286Gln)

Gene: APC (APC regulator of Wnt signaling pathway; plus strand). Cytogenetic location: 5q22.2.
Variant type: single nucleotide variant.
Coding change: c.858T>G on transcript NM_000038.6 (MANE Select); coding-DNA position 858, T replaced by G.
Protein change: p.His286Gln; replaces histidine 286 with glutamine.
Molecular consequence: missense variant.
Genome position (GRCh38, 1-based): chr5:112,815,518, T>G. VCF-style: chr5-112815518-T-G. GRCh37 (hg19) VCF-style: chr5-112151215-T-G.
Other names: c.858T>G, p.His286Gln (NM_001127510.3, NM_001354895.2, NM_001354896.2 and 12 more transcripts); c.804T>G, p.His268Gln (NM_001127511.3); c.888T>G, p.His296Gln (NM_001354897.2, NM_001354902.2, NM_001407446.1); c.783T>G, p.His261Gln (NM_001354898.2, NM_001354904.2, NM_001407451.1); c.774T>G, p.His258Gln (NM_001354899.2, NM_001407452.1, NM_001407467.1 and 1 more transcripts); c.681T>G, p.His227Gln (NM_001354900.2, NM_001354901.2, NM_001354905.2 and 1 more transcripts); c.9T>G, p.His3Gln (NM_001354906.2, NM_001407470.1, NM_001407471.1 and 1 more transcripts); short protein forms H296Q, H268Q, H286Q, H227Q, H258Q, H261Q, H3Q.
Identifiers: ClinVar variation 1971422 (VCV001971422.6), dbSNP rs876659340, ClinGen allele CA16023196.